The following is an entry in ClinVar:

NM_001042492.3(NF1):c.3571A>T (p.Thr1191Ser)

Gene: NF1 (neurofibromin 1; plus strand). Cytogenetic location: 17q11.2.
Variant type: single nucleotide variant.
Coding change: c.3571A>T on transcript NM_001042492.3 (MANE Select); coding-DNA position 3571, A replaced by T.
Protein change: p.Thr1191Ser; replaces threonine 1191 with serine.
Molecular consequence: missense variant.
Genome position (GRCh38, 1-based): chr17:31,233,076, A>T. VCF-style: chr17-31233076-A-T. GRCh37 (hg19) VCF-style: chr17-29560094-A-T.
Other names: c.3571A>T, p.Thr1191Ser (NM_000267.4); short protein forms T1191S.
Identifiers: ClinVar variation 1484489 (VCV001484489.10), dbSNP rs1555615033, ClinGen allele CA398990103.
Genomic context (GRCh38, chr17:31,233,076, plus strand): 5'-AAGGATCTCCAGACAAGAGCTACATTTATGGAAGTTCTGACAAAAATCCTTCAACAAGGC[A>T]CAGAATTTGACACACTTGCAGAAACAGTATTGGCTGATCGGTTTGAGAGATTGGTGGAAC-3'
Protein context (NP_001035957.1, residues 1181-1201): EVLTKILQQG[Thr1191Ser]EFDTLAETVL

ClinVar aggregate classification (germline): Pathogenic/Likely pathogenic. Review status: criteria provided, multiple submitters, no conflicts (2 of 4 stars). 2 submissions from 2 submitters: Pathogenic (1); Likely pathogenic (1). Last evaluated 2025-09-04.

Conditions:
Neurofibromatosis, type 1 (NF1). Also called: NEUROFIBROMATOSIS, TYPE I, SOMATIC; Neurofibromatosis, type I; VON RECKLINGHAUSEN DISEASE; Peripheral type neurofibromatosis. Identifiers: Orphanet 636, MedGen C0027831, MONDO:0018975, OMIM 162200. Disease mechanism: loss of function.

Submissions (2):

GeneDx
Classification: Likely pathogenic. Last evaluated: 2025-09-04. Review status: criteria provided, single submitter. Criteria: GeneDx Variant Classification Process June 2021. Collection method: clinical testing. Allele origin: germline. Affected: yes.
Comment: Not observed at significant frequency in large population cohorts (gnomAD); In silico analysis supports that this missense variant has a deleterious effect on protein structure/function; This variant is associated with the following publications: (PMID: 35240321, 25486365, 2121369, 22807134)

Labcorp Genetics (formerly Invitae), Labcorp
Classification: Pathogenic for Neurofibromatosis, type 1. Last evaluated: 2023-08-30. Review status: criteria provided, single submitter. Criteria: Invitae Variant Classification Sherloc (09022015). Collection method: clinical testing. Allele origin: germline.
Comment: For these reasons, this variant has been classified as Pathogenic. This variant disrupts the p.Thr1191 amino acid residue in NF1. Other variant(s) that disrupt this residue have been determined to be pathogenic (PMID: 23047742, 25541118). This suggests that this residue is clinically significant, and that variants that disrupt this residue are likely to be disease-causing. Advanced modeling of protein sequence and biophysical properties (such as structural, functional, and spatial information, amino acid conservation, physicochemical variation, residue mobility, and thermodynamic stability) performed at Invitae indicates that this missense variant is expected to disrupt NF1 protein function. ClinVar contains an entry for this variant (Variation ID: 1484489). This missense change has been observed in individual(s) with NF1-related conditions (PMID: 35240321). This variant is not present in population databases (gnomAD no frequency). This sequence change replaces threonine, which is neutral and polar, with serine, which is neutral and polar, at codon 1191 of the NF1 protein (p.Thr1191Ser).

Literature cited by the submitters: PubMed 23047742 (cited by Labcorp Genetics (formerly Invitae), Labcorp); PubMed 25541118 (cited by Labcorp Genetics (formerly Invitae), Labcorp); PubMed 35240321 (cited by Labcorp Genetics (formerly Invitae), Labcorp).